The following is an entry in ClinVar:

ClinVar aggregate classification (germline): Benign/Likely benign. Review status: criteria provided, multiple submitters, no conflicts (2 of 4 stars). 4 submissions from 4 submitters: Benign (2); Likely benign (1). 1 of the submissions does not count toward it. Last evaluated 2023-04-01.

Conditions:
LRP1-related disorder. Also called: LRP1-related condition.

Allele frequency attached by ClinVar (database versions not stated): 1000 Genomes Project 0.00140; 1000 Genomes Project 30x 0.00156; TOPMed 0.00377; gnomAD 0.00433 and 0.00460; gnomAD exomes 0.00469 and 0.00715; ESP Exome Variant Server 0.00507; ExAC 0.00541.
gnomAD v4.1: 10,957 of 1,613,896 alleles (0.68%); highest among the groups gnomAD compares: Non-Finnish European, 0.86%; 49 homozygotes.

Submissions (4):

CeGaT Center for Human Genetics Tuebingen
Classification: Likely benign. Last evaluated: 2023-04-01. Review status: criteria provided, single submitter. Criteria: CeGaT Center For Human Genetics Tuebingen Variant Classification Criteria Version 2. Collection method: clinical testing. Allele origin: germline. Affected: yes. Observed: 2 variant alleles.
Comment: LRP1: BP4, BP7, BS2

Labcorp Genetics (formerly Invitae), Labcorp
Classification: Benign. Last evaluated: 2019-12-31. Review status: criteria provided, single submitter. Criteria: Invitae Variant Classification Sherloc (09022015). Collection method: clinical testing. Allele origin: germline.

Breakthrough Genomics
Classification: Benign. Review status: criteria provided, single submitter. Criteria: ACMG Guidelines, 2015. Collection method: not provided. Allele origin: germline. Inheritance: Autosomal recessive inheritance. Affected: yes.

PreventionGenetics, part of Exact Sciences
Classification: Likely benign for LRP1-related condition. Last evaluated: 2023-12-07. Review status: no assertion criteria provided. Collection method: clinical testing. Allele origin: germline. Not counted in ClinVar's aggregate classification.
Comment: This variant is classified as likely benign based on ACMG/AMP sequence variant interpretation guidelines (Richards et al. 2015 PMID: 25741868, with internal and published modifications).

NM_002332.3(LRP1):c.8322C>T (p.Cys2774=)

Gene: LRP1 (LDL receptor related protein 1; plus strand). Cytogenetic location: 12q13.3.
Variant type: single nucleotide variant.
Coding change: c.8322C>T on transcript NM_002332.3 (MANE Select); coding-DNA position 8322, C replaced by T.
Protein change: p.Cys2774=; no amino-acid change (cysteine 2774 retained).
Molecular consequence: synonymous variant.
Genome position (GRCh38, 1-based): chr12:57,195,284, C>T. VCF-style: chr12-57195284-C-T. GRCh37 (hg19) VCF-style: chr12-57589067-C-T.
Identifiers: ClinVar variation 779441 (VCV000779441.30), dbSNP rs1800142, ClinGen allele CA6644345.